The following is an entry in ClinVar:

ClinVar aggregate classification (germline): Benign/Likely benign. Review status: criteria provided, multiple submitters, no conflicts (2 of 4 stars). 3 submissions from 3 submitters: Benign (1); Likely benign (1). 1 of the submissions does not count toward it. Last evaluated 2025-12-29.

Conditions:
POC1B-related disorder. Also called: POC1B-related condition.

Allele frequency attached by ClinVar (database versions not stated): 1000 Genomes Project 0.00040; TOPMed 0.00053; ESP Exome Variant Server 0.00054; gnomAD 0.00061 and 0.00063; gnomAD exomes 0.00088 and 0.00089; ExAC 0.00094; 1000 Genomes Project 30x 0.00031.
gnomAD v4.1: 1,375 of 1,613,310 alleles (0.085%); highest among the groups gnomAD compares: Non-Finnish European, 0.086%; 3 homozygotes.

Submissions (3):

Labcorp Genetics (formerly Invitae), Labcorp
Classification: Benign. Last evaluated: 2025-12-29. Review status: criteria provided, single submitter. Criteria: Invitae Variant Classification Sherloc (09022015). Collection method: clinical testing. Allele origin: germline.

Blueprint Genetics
Classification: Likely benign. Last evaluated: 2024-11-20. Review status: criteria provided, single submitter. Criteria: ACMG Guidelines, 2015. Collection method: clinical testing. Allele origin: germline.

PreventionGenetics, part of Exact Sciences
Classification: Likely benign for POC1B-related condition. Last evaluated: 2020-07-09. Review status: no assertion criteria provided. Collection method: clinical testing. Allele origin: germline. Not counted in ClinVar's aggregate classification.
Comment: This variant is classified as likely benign based on ACMG/AMP sequence variant interpretation guidelines (Richards et al. 2015 PMID: 25741868, with internal and published modifications).

NM_172240.3(POC1B):c.168T>C (p.Tyr56=)

Genes: POC1B (POC1 centriolar protein B; minus strand), POC1B-DUSP6 (POC1B-DUSP6 readthrough; minus strand). Cytogenetic location: 12q21.33.
Variant type: single nucleotide variant.
Coding change: c.168T>C on transcript NM_172240.3 (MANE Select); coding-DNA position 168, T replaced by C.
Protein change: p.Tyr56=; no amino-acid change (tyrosine 56 retained).
Molecular consequence: synonymous variant.
Genome position (GRCh38, 1-based): chr12:89,497,275, A>G on the plus strand (T>C on the coding strand, the complement: POC1B is on the minus strand). VCF-style: chr12-89497275-A-G. GRCh37 (hg19) VCF-style: chr12-89891052-A-G.
Other names: c.42T>C, p.Tyr14= (NM_001199777.2).
Identifiers: ClinVar variation 713426 (VCV000713426.13), dbSNP rs148970909, ClinGen allele CA6714595.